The following is an entry in ClinVar:

NM_000350.3(ABCA4):c.37A>G (p.Lys13Glu)

Gene: ABCA4 (ATP binding cassette subfamily A member 4; minus strand). Cytogenetic location: 1p22.1.
Variant type: single nucleotide variant.
Coding change: c.37A>G on transcript NM_000350.3 (MANE Select); coding-DNA position 37, A replaced by G.
Protein change: p.Lys13Glu; replaces lysine 13 with glutamic acid.
Molecular consequence: missense variant.
Genome position (GRCh38, 1-based): chr1:94,121,009, T>C on the plus strand (A>G on the coding strand, the complement: ABCA4 is on the minus strand). VCF-style: chr1-94121009-T-C. GRCh37 (hg19) VCF-style: chr1-94586565-T-C.
Other names: c.37A>G, p.Lys13Glu (NM_001425324.1); short protein forms K13E.
Identifiers: ClinVar variation 429217 (VCV000429217.2), dbSNP rs1131691262, ClinGen allele CA341288694.
Genomic context (GRCh38, chr1:94,121,009, plus strand): 5'-TCATTTTTAAACCACAGACAGTAACTGTTACCTTTTGCCTTTTCCGCAGGGTCCAGTTCT[T>C]CCAGAGCAAAAGCTGTATCTGTCTCACGAAGCCCATGCTAATGACCACACGAAGACCAGA-3'
Protein context (NP_000341.2, residues 3-23): FVRQIQLLLW[Lys13Glu]NWTLRKRQKI

ClinVar aggregate classification (germline): Likely pathogenic (1 of 4 stars; one submission).

Submission:

GeneDx
Classification: Likely pathogenic. Last evaluated: 2013-08-05. Review status: criteria provided, single submitter. Criteria: GeneDx Variant Classification (06012015). Collection method: clinical testing. Allele origin: germline. Affected: yes.
Comment: The K13E missense change in the ABCA4 gene has not been reported as a pathogenic variant or as a benign polymorphism to our knowledge. The K13E amino acid substitution is non-conservative with a positively charged residue (Lys) being replaced by a negatively charged residue (Glu). The residue at which this substitution occurs is highly conserved in the ABCR protein. According to the Human Gene Mutation Database (HGMD), other missense mutations (L11P, R18W) have been reported in nearby residues (Stenson, 2009). The K13E variant was not observed in approximately 6,500 individuals of European and African American ancestry in an external variant database, indicating it is not a common benign variant in these populations. Therefore, the K13E missense change is a candidate for a pathogenic variant, although the possibility that it is a benign polymorphism cannot be completely excluded.